The following is an entry in ClinVar:

NM_005909.5(MAP1B):c.3329C>T (p.Pro1110Leu)

Gene: MAP1B (microtubule associated protein 1B; plus strand). Cytogenetic location: 5q13.2.
Variant type: single nucleotide variant.
Coding change: c.3329C>T on transcript NM_005909.5 (MANE Select); coding-DNA position 3329, C replaced by T.
Protein change: p.Pro1110Leu; replaces proline 1110 with leucine.
Molecular consequence: missense variant.
Genome position (GRCh38, 1-based): chr5:72,196,684, C>T. VCF-style: chr5-72196684-C-T. GRCh37 (hg19) VCF-style: chr5-71492511-C-T.
Other names: c.2951C>T, p.Pro984Leu (NM_001324255.2); short protein forms P1110L, P984L.
Identifiers: ClinVar variation 5008499 (VCV005008499.1).

ClinVar aggregate classification (germline): Uncertain significance (1 of 4 stars; one submission).

gnomAD v4.1: 1 of 1,613,912 alleles (0.000062%); highest among the groups gnomAD compares: Admixed American, 0.0017%; no homozygotes.

Submission:

GeneDx
Classification: Uncertain significance. Last evaluated: 2026-03-03. Review status: criteria provided, single submitter. Criteria: GeneDx Variant Classification Process June 2021. Collection method: clinical testing. Allele origin: germline.
Comment: Not observed at significant frequency in large population cohorts (gnomAD); In silico analysis supports that this missense variant has a deleterious effect on protein structure/function; Has not been previously published as pathogenic or benign to our knowledge